The following is an entry in ClinVar:

ClinVar aggregate classification (germline): Uncertain significance (1 of 4 stars; one submission).

Conditions:
Neuropathy, hereditary sensory, type 2C. Also called: KIF1A-Related HSAN2 (HSAN2C); Hereditary sensory and autonomic neuropathy type IIC. Identifiers: Orphanet 970, MedGen C3280168, MONDO:0013634, OMIM 614213.
Intellectual disability, autosomal dominant 9 (NESCAVS). Also called: NESCAV SYNDROME; KIF1A-Related Neurodevelopmental Disorder. Identifiers: Orphanet 662367, MedGen C5393830, MONDO:0013656, OMIM 614255.
Hereditary spastic paraplegia 30. Identifiers: Orphanet 101010, MedGen C5235139, MONDO:0012476.

Allele frequency attached by ClinVar (database versions not stated): gnomAD exomes below 0.00001; TOPMed below 0.00001; ExAC 0.00001.
gnomAD v4.1: 6 of 1,590,978 alleles (0.00038%); highest among the groups gnomAD compares: East Asian, 0.0045%; no homozygotes.

Submission:

Labcorp Genetics (formerly Invitae), Labcorp
Classification: Uncertain significance for Hereditary spastic paraplegia 30; Neuropathy, hereditary sensory, type 2C; Intellectual disability, autosomal dominant 9. Last evaluated: 2025-12-16. Review status: criteria provided, single submitter. Criteria: Invitae Variant Classification Sherloc (09022015). Collection method: clinical testing. Allele origin: germline.
Comment: This sequence change replaces glutamic acid, which is acidic and polar, with lysine, which is basic and polar, at codon 694 of the KIF1A protein (p.Glu694Lys). The frequency data for this variant in the population databases is considered unreliable, as metrics indicate poor data quality at this position in the gnomAD database. This variant has not been reported in the literature in individuals affected with KIF1A-related conditions. ClinVar contains an entry for this variant (Variation ID: 532869). Invitae Evidence Modeling of protein sequence and biophysical properties (such as structural, functional, and spatial information, amino acid conservation, physicochemical variation, residue mobility, and thermodynamic stability) has been performed for this missense variant. However, the output from this modeling did not meet the statistical confidence thresholds required to predict the impact of this variant on KIF1A protein function. In summary, the available evidence is currently insufficient to determine the role of this variant in disease. Therefore, it has been classified as a Variant of Uncertain Significance.

NM_001244008.2(KIF1A):c.2107G>A (p.Glu703Lys)

Gene: KIF1A (kinesin family member 1A; minus strand). Cytogenetic location: 2q37.3.
Variant type: single nucleotide variant.
Coding change: c.2107G>A on transcript NM_001244008.2 (MANE Select); coding-DNA position 2107, G replaced by A.
Protein change: p.Glu703Lys; replaces glutamic acid 703 with lysine.
Molecular consequence: missense variant.
Genome position (GRCh38, 1-based): chr2:240,762,728, C>T on the plus strand (G>A on the coding strand, the complement: KIF1A is on the minus strand). VCF-style: chr2-240762728-C-T. GRCh37 (hg19) VCF-style: chr2-241702145-C-T.
Other names: c.2107G>A, p.Glu703Lys (NM_001320705.2, NM_001330289.2, NM_001379638.1); c.2182G>A, p.Glu728Lys (NM_001330290.2, NM_001379631.1, NM_001379634.1 and 2 more transcripts); c.2080G>A, p.Glu694Lys (NM_001379632.1, NM_001379633.1, NM_001379636.1 and 10 more transcripts); c.2155G>A, p.Glu719Lys (NM_001379637.1, NM_001379648.1); short protein forms E694K, E703K, E728K, E719K.
Identifiers: ClinVar variation 532869 (VCV000532869.11), dbSNP rs766192418, ClinGen allele CA2208197.